The following is an entry in ClinVar:

NM_001191061.2(SLC25A22):c.681G>C (p.Val227=)

Gene: SLC25A22 (solute carrier family 25 member 22; minus strand). Cytogenetic location: 11p15.5.
Variant type: single nucleotide variant.
Coding change: c.681G>C on transcript NM_001191061.2 (MANE Select); coding-DNA position 681, G replaced by C.
Protein change: p.Val227=; no amino-acid change (valine 227 retained).
Molecular consequence: synonymous variant.
Genome position (GRCh38, 1-based): chr11:792,365, C>G on the plus strand (G>C on the coding strand, the complement: SLC25A22 is on the minus strand). VCF-style: chr11-792365-C-G. GRCh37 (hg19) VCF-style: chr11-792365-C-G.
Other names: c.681G>C, p.Val227= (NM_001191060.2, NM_024698.6).
Identifiers: ClinVar variation 512014 (VCV000512014.3), dbSNP rs376895051, ClinGen allele CA472438707.

ClinVar aggregate classification (germline): Likely benign. Review status: criteria provided, multiple submitters, no conflicts (2 of 4 stars). 2 submissions from 2 submitters: Likely benign (2). Last evaluated 2024-10-10.

Conditions:
Early-infantile DEE. Also called: Early infantile epileptic encephalopathy with suppression bursts; Early infantile epileptic encephalopathy; Ohtahara syndrome. Identifiers: Orphanet 1934, MedGen C0393706, MONDO:0800491.

Submissions (2):

Labcorp Genetics (formerly Invitae), Labcorp
Classification: Likely benign for Early-infantile DEE. Last evaluated: 2024-10-10. Review status: criteria provided, single submitter. Criteria: Invitae Variant Classification Sherloc (09022015). Collection method: clinical testing. Allele origin: germline.

GeneDx
Classification: Likely benign. Last evaluated: 2017-09-14. Review status: criteria provided, single submitter. Criteria: GeneDx Variant Classification (06012015). Collection method: clinical testing. Allele origin: germline. Affected: yes.
Comment: This variant is considered likely benign or benign based on one or more of the following criteria: it is a conservative change, it occurs at a poorly conserved position in the protein, it is predicted to be benign by multiple in silico algorithms, and/or has population frequency not consistent with disease.